The following is an entry in ClinVar:

NM_001271.4(CHD2):c.3646C>G (p.Gln1216Glu)

Gene: CHD2 (chromodomain helicase DNA binding protein 2; plus strand). Cytogenetic location: 15q26.1.
Variant type: single nucleotide variant.
Coding change: c.3646C>G on transcript NM_001271.4 (MANE Select); coding-DNA position 3646, C replaced by G.
Protein change: p.Gln1216Glu; replaces glutamine 1216 with glutamic acid.
Molecular consequence: missense variant.
Genome position (GRCh38, 1-based): chr15:92,997,007, C>G. VCF-style: chr15-92997007-C-G. GRCh37 (hg19) VCF-style: chr15-93540237-C-G.
Other names: short protein forms Q1216E.
Identifiers: ClinVar variation 2764243 (VCV002764243.3), dbSNP rs2505589821, ClinGen allele CA393897755.

ClinVar aggregate classification (germline): Uncertain significance (1 of 4 stars; one submission).

Conditions:
Developmental and epileptic encephalopathy 94 (DEE94). Also called: CHD2-Related Neurodevelopmental Disorders; Epileptic encephalopathy, childhood-onset. Identifiers: Orphanet 1942, Orphanet 2382, MedGen C3809278, MONDO:0014150, OMIM 615369.

Submission:

Labcorp Genetics (formerly Invitae), Labcorp
Classification: Uncertain significance for Developmental and epileptic encephalopathy 94. Last evaluated: 2023-09-29. Review status: criteria provided, single submitter. Criteria: Invitae Variant Classification Sherloc (09022015). Collection method: clinical testing. Allele origin: germline.
Comment: In summary, the available evidence is currently insufficient to determine the role of this variant in disease. Therefore, it has been classified as a Variant of Uncertain Significance. Advanced modeling of protein sequence and biophysical properties (such as structural, functional, and spatial information, amino acid conservation, physicochemical variation, residue mobility, and thermodynamic stability) performed at Invitae indicates that this missense variant is not expected to disrupt CHD2 protein function. This variant has not been reported in the literature in individuals affected with CHD2-related conditions. This variant is not present in population databases (gnomAD no frequency). This sequence change replaces glutamine, which is neutral and polar, with glutamic acid, which is acidic and polar, at codon 1216 of the CHD2 protein (p.Gln1216Glu).